The following is an entry in ClinVar:

NM_000066.4(C8B):c.754T>A (p.Ser252Thr)

Gene: C8B (complement C8 beta chain; minus strand). Cytogenetic location: 1p32.2.
Variant type: single nucleotide variant.
Coding change: c.754T>A on transcript NM_000066.4 (MANE Select); coding-DNA position 754, T replaced by A.
Protein change: p.Ser252Thr; replaces serine 252 with threonine.
Molecular consequence: missense variant.
Genome position (GRCh38, 1-based): chr1:56,949,665, A>T on the plus strand (T>A on the coding strand, the complement: C8B is on the minus strand). VCF-style: chr1-56949665-A-T. GRCh37 (hg19) VCF-style: chr1-57415338-A-T.
Other names: c.598T>A, p.Ser200Thr (NM_001278543.2); c.568T>A, p.Ser190Thr (NM_001278544.2); short protein forms S200T, S190T, S252T.
Identifiers: ClinVar variation 1468793 (VCV001468793.5), dbSNP rs201398867, ClinGen allele CA875864.

ClinVar aggregate classification (germline): Uncertain significance (1 of 4 stars; one submission).

Allele frequency attached by ClinVar (database versions not stated): ExAC 0.00002; gnomAD exomes 0.00003 and 0.00004; gnomAD 0.00007; TOPMed 0.00014; 1000 Genomes Project 30x 0.00016; 1000 Genomes Project 0.00020.
gnomAD v4.1: 26 of 1,614,012 alleles (0.0016%); highest among the groups gnomAD compares: Admixed American, 0.043%; no homozygotes.

Submission:

Labcorp Genetics (formerly Invitae), Labcorp
Classification: Uncertain significance. Last evaluated: 2021-09-02. Review status: criteria provided, single submitter. Criteria: Invitae Variant Classification Sherloc (09022015). Collection method: clinical testing. Allele origin: germline.
Comment: This sequence change replaces serine with threonine at codon 252 of the C8B protein (p.Ser252Thr). The serine residue is moderately conserved and there is a small physicochemical difference between serine and threonine. This variant is present in population databases (rs201398867, ExAC 0.02%). This variant has not been reported in the literature in individuals affected with C8B-related conditions. Algorithms developed to predict the effect of missense changes on protein structure and function (SIFT, PolyPhen-2, Align-GVGD) all suggest that this variant is likely to be tolerated. In summary, the available evidence is currently insufficient to determine the role of this variant in disease. Therefore, it has been classified as a Variant of Uncertain Significance.